The following is an entry in ClinVar:

ClinVar aggregate classification (germline): Pathogenic/Likely pathogenic. Review status: criteria provided, multiple submitters, no conflicts (2 of 4 stars). 2 submissions from 2 submitters: Pathogenic (1); Likely pathogenic (1). Last evaluated 2024-09-10.

Conditions:
Familial hemophagocytic lymphohistiocytosis 5. Also called: STXBP2-Related Familial Hemophagocytic Lymphohistiocytosis (STXBP2-fHLH). Identifiers: Orphanet 540, MedGen C2751293, MONDO:0013135, OMIM 613101.
STXBP2-related disorder. Also called: STXBP2-related condition.

Submissions (2):

Labcorp Genetics (formerly Invitae), Labcorp
Classification: Pathogenic for Familial hemophagocytic lymphohistiocytosis 5. Last evaluated: 2024-09-10. Review status: criteria provided, single submitter. Criteria: Invitae Variant Classification Sherloc (09022015). Collection method: clinical testing. Allele origin: germline.
Comment: This sequence change creates a premature translational stop signal (p.Glu12Glyfs*42) in the STXBP2 gene. It is expected to result in an absent or disrupted protein product. Loss-of-function variants in STXBP2 are known to be pathogenic (PMID: 19804848, 22451424). This variant is not present in population databases (gnomAD no frequency). This variant has not been reported in the literature in individuals affected with STXBP2-related conditions. For these reasons, this variant has been classified as Pathogenic.

Blueprint Genetics
Classification: Likely pathogenic for STXBP2-related disorders. Last evaluated: 2022-10-11. Review status: criteria provided, single submitter. Criteria: ACMG Guidelines, 2015. Collection method: clinical testing. Allele origin: germline. Affected: yes. Observed: 1 variant allele.

Literature cited by the submitters: PubMed 19804848 (cited by Labcorp Genetics (formerly Invitae), Labcorp); PubMed 22451424 (cited by Labcorp Genetics (formerly Invitae), Labcorp).

NM_006949.4(STXBP2):c.34dup (p.Glu12fs)

Gene: STXBP2 (syntaxin binding protein 2; plus strand). Cytogenetic location: 19p13.2.
Variant type: Duplication.
Coding change: c.34dup on transcript NM_006949.4 (MANE Select); coding-DNA position 34, one base duplicated (G; older notation c.34dupG).
Protein change: p.Glu12fs; shifts the reading frame from glutamic acid 12.
Molecular consequence: frameshift variant. On other transcripts: non-coding transcript variant (1), intron variant (1).
Genome position (GRCh38, 1-based): chr19:7,637,183, G duplicated; the last of 5 consecutive G bases (chr19:7,637,179-7,637,183); duplicating any one gives the same sequence. VCF-style (leftmost placement, unchanged base first): chr19-7637178-T-TG. GRCh37 (hg19) VCF-style: chr19-7702064-T-TG.
Other names: c.34dup, p.Glu12fs (NM_001127396.3, NM_001272034.2); c.-59-1543dup (NM_001414484.1); short protein forms E12fs.
Identifiers: ClinVar variation 2840748 (VCV002840748.4), dbSNP rs1269457253, ClinGen allele CA884219288.